The following is an entry in ClinVar:

ClinVar aggregate classification (germline): Uncertain significance (1 of 4 stars; one submission).

Conditions:
Early-infantile DEE. Also called: Early infantile epileptic encephalopathy; Early infantile epileptic encephalopathy with suppression bursts; Ohtahara syndrome. Identifiers: Orphanet 1934, MedGen C0393706, MONDO:0800491.

Submission:

Labcorp Genetics (formerly Invitae), Labcorp
Classification: Uncertain significance for Early-infantile DEE. Last evaluated: 2025-06-23. Review status: criteria provided, single submitter. Criteria: Invitae Variant Classification Sherloc (09022015). Collection method: clinical testing. Allele origin: germline.
Comment: This sequence change replaces glutamic acid, which is acidic and polar, with glutamine, which is neutral and polar, at codon 443 of the SCN1A protein (p.Glu443Gln). This variant is not present in population databases (gnomAD no frequency). This variant has not been reported in the literature in individuals affected with SCN1A-related conditions. ClinVar contains an entry for this variant (Variation ID: 1493044). Invitae Evidence Modeling of protein sequence and biophysical properties (such as structural, functional, and spatial information, amino acid conservation, physicochemical variation, residue mobility, and thermodynamic stability) has been performed for this missense variant. However, the output from this modeling did not meet the statistical confidence thresholds required to predict the impact of this variant on SCN1A protein function. In summary, the available evidence is currently insufficient to determine the role of this variant in disease. Therefore, it has been classified as a Variant of Uncertain Significance.

NM_001165963.4(SCN1A):c.1327G>C (p.Glu443Gln)

Gene: SCN1A (sodium voltage-gated channel alpha subunit 1; minus strand). Cytogenetic location: 2q24.3.
Variant type: single nucleotide variant.
Coding change: c.1327G>C on transcript NM_001165963.4 (MANE Select); coding-DNA position 1327, G replaced by C.
Protein change: p.Glu443Gln; replaces glutamic acid 443 with glutamine.
Molecular consequence: missense variant. On other transcripts: 5 prime UTR variant (1), non-coding transcript variant (1).
Genome position (GRCh38, 1-based): chr2:166,046,820, C>G on the plus strand (G>C on the coding strand, the complement: SCN1A is on the minus strand). VCF-style: chr2-166046820-C-G. GRCh37 (hg19) VCF-style: chr2-166903330-C-G.
Other names: c.1327G>C, p.Glu443Gln (NM_001165964.3, NM_001202435.3, NM_001353948.2 and 10 more transcripts); c.-1099G>C (NM_001353961.2); short protein forms E443Q.
Identifiers: ClinVar variation 1493044 (VCV001493044.7), dbSNP rs1300925640, ClinGen allele CA349070494.